The following is an entry in ClinVar:

ClinVar aggregate classification (germline): Pathogenic (1 of 4 stars; one submission).

Submission:

Labcorp Genetics (formerly Invitae), Labcorp
Classification: Pathogenic. Last evaluated: 2023-10-26. Review status: criteria provided, single submitter. Criteria: Invitae Variant Classification Sherloc (09022015). Collection method: clinical testing. Allele origin: unknown.
Comment: This variant is a gross deletion of the genomic region encompassing exon(s) 2-9 of the ANKS1B gene. This deletion is out-of-frame, and is expected to create a premature termination codon and result in an absent or disrupted protein product. Loss-of-function variants in ANKS1B are known to be pathogenic (PMID: 31388001). This variant has not been reported in the literature in individuals affected with ANKS1B-related conditions. For these reasons, this variant has been classified as Pathogenic.

Literature cited by the submitters: PubMed 31388001.

NC_000012.11:g.(?_100041953)_(100219167_?)del

Genes: ANKS1B (ankyrin repeat and sterile alpha motif domain containing 1B; minus strand), GARIN6 (golgi associated RAB2 interactor family member 6; plus strand). Cytogenetic location: 12q23.1.
Variant type: Deletion.
Identifiers: ClinVar variation 3244443 (VCV003244443.1).